The following is an entry in ClinVar:

ClinVar aggregate classification (germline): Benign (1 of 4 stars; one submission).

Allele frequency attached by ClinVar (database versions not stated): 1000 Genomes Project 30x 0.00047; 1000 Genomes Project 0.00060; gnomAD 0.00101 and 0.00106; TOPMed 0.00108; gnomAD exomes 0.00166.
gnomAD v4.1: 551 of 397,192 alleles (0.14%); highest among the groups gnomAD compares: Non-Finnish European, 0.22%; no homozygotes.

Submission:

CeGaT Center for Human Genetics Tuebingen
Classification: Benign. Last evaluated: 2026-09-01. Review status: criteria provided, single submitter. Criteria: CeGaT Center For Human Genetics Tuebingen Variant Classification Criteria Version 2. Collection method: clinical testing. Allele origin: germline. Affected: yes. Observed: 13 variant alleles.
Comment: KCNQ1OT1: BS1, BS2

NM_000218.3(KCNQ1):c.1393+22427G>A

Genes: KCNQ1 (potassium voltage-gated channel subfamily Q member 1; plus strand), KCNQ1OT1 (KCNQ1 opposite strand/antisense transcript 1; minus strand). Cytogenetic location: 11p15.5.
Variant type: single nucleotide variant.
Coding change: c.1393+22427G>A on transcript NM_000218.3 (MANE Select); 22427 bases into the intron after coding-DNA position 1393, G replaced by A.
Molecular consequence: intron variant.
Genome position (GRCh38, 1-based): chr11:2,611,281, G>A. VCF-style: chr11-2611281-G-A. GRCh37 (hg19) VCF-style: chr11-2632511-G-A.
Other names: c.1123+22427G>A (NM_001406837.1); c.1297+22427G>A (NM_001406836.1); c.853+22427G>A (NM_001406838.1); c.1012+22427G>A (NM_181798.2).
Identifiers: ClinVar variation 1694588 (VCV001694588.31), dbSNP rs541068224, ClinGen allele CA216356786.